The following is an entry in ClinVar:

NM_177438.3(DICER1):c.4941A>G (p.Arg1647=)

Gene: DICER1 (dicer 1, ribonuclease III; minus strand). Cytogenetic location: 14q32.13.
Variant type: single nucleotide variant.
Coding change: c.4941A>G on transcript NM_177438.3 (MANE Select); coding-DNA position 4941, A replaced by G.
Protein change: p.Arg1647=; no amino-acid change (arginine 1647 retained).
Molecular consequence: synonymous variant.
Genome position (GRCh38, 1-based): chr14:95,095,979, T>C on the plus strand (A>G on the coding strand, the complement: DICER1 is on the minus strand). VCF-style: chr14-95095979-T-C. GRCh37 (hg19) VCF-style: chr14-95562316-T-C.
Other names: c.4941A>G, p.Arg1647= (NM_001195573.1, NM_001271282.3, NM_001291628.2 and 1 more transcripts).
Identifiers: ClinVar variation 1375381 (VCV001375381.28), dbSNP rs2139840099, ClinGen allele CA487843948.
Genomic context (GRCh38, chr14:95,095,979, plus strand): 5'-TTCAAACCCCGATATAAGGTGATTCAGTGTTTTATCTGCATCTGGATGATCAAACATACA[T>C]CTTGGTGGAATCTTCAAACAACCATATTCCGAGTCTTTCAATACAGAAGAGCGTGAACTG-3'
Protein context (NP_803187.1, residues 1637-1657): SEYGCLKIPP[Arg1647=]CMFDHPDADK

ClinVar aggregate classification (germline): Likely benign. Review status: criteria provided, multiple submitters, no conflicts (2 of 4 stars). 2 submissions from 2 submitters: Likely benign (2). Last evaluated 2024-03-01.

Conditions:
DICER1-related tumor predisposition. Also called: DICER1-related pleuropulmonary blastoma cancer predisposition syndrome; DICER1 syndrome. Identifiers: Orphanet 284343, MedGen C3839822, MONDO:0100216.

Submissions (2):

CeGaT Center for Human Genetics Tuebingen
Classification: Likely benign. Last evaluated: 2024-03-01. Review status: criteria provided, single submitter. Criteria: CeGaT Center For Human Genetics Tuebingen Variant Classification Criteria Version 2. Collection method: clinical testing. Allele origin: germline. Affected: yes. Observed: 1 variant allele.
Comment: DICER1: PM2:Supporting, BP4, BP7

Labcorp Genetics (formerly Invitae), Labcorp
Classification: Likely benign for DICER1-related tumor predisposition. Last evaluated: 2022-08-16. Review status: criteria provided, single submitter. Criteria: Invitae Variant Classification Sherloc (09022015). Collection method: clinical testing. Allele origin: germline.